The following is an entry in ClinVar:

ClinVar aggregate classification (germline): Pathogenic (1 of 4 stars; one submission).

Allele frequency attached by ClinVar (database versions not stated): ExAC 0.00002; gnomAD 0.00003 and 0.00004; TOPMed 0.00003.
gnomAD v4.1: 17 of 1,613,960 alleles (0.0011%); highest among the groups gnomAD compares: African/African-American, 0.0067%; no homozygotes.

Submission:

Labcorp Genetics (formerly Invitae), Labcorp
Classification: Pathogenic. Last evaluated: 2024-10-29. Review status: criteria provided, single submitter. Criteria: Invitae Variant Classification Sherloc (09022015). Collection method: clinical testing. Allele origin: germline.
Comment: This sequence change creates a premature translational stop signal (p.Arg738*) in the TTLL5 gene. It is expected to result in an absent or disrupted protein product. Loss-of-function variants in TTLL5 are known to be pathogenic (PMID: 24791901, 27162334). This variant is present in population databases (rs377702881, gnomAD 0.03%). This variant has not been reported in the literature in individuals affected with TTLL5-related conditions. ClinVar contains an entry for this variant (Variation ID: 1076374). For these reasons, this variant has been classified as Pathogenic.

Literature cited by the submitters: PubMed 24791901; PubMed 27162334.

NM_015072.5(TTLL5):c.2212C>T (p.Arg738Ter)

Gene: TTLL5 (tubulin tyrosine ligase like 5; plus strand). Cytogenetic location: 14q24.3.
Variant type: single nucleotide variant.
Coding change: c.2212C>T on transcript NM_015072.5 (MANE Select); coding-DNA position 2212, C replaced by T.
Protein change: p.Arg738Ter; replaces arginine 738 with a stop codon.
Molecular consequence: nonsense.
Genome position (GRCh38, 1-based): chr14:75,775,559, C>T. VCF-style: chr14-75775559-C-T. GRCh37 (hg19) VCF-style: chr14-76241902-C-T.
Other names: short protein forms R738*.
Identifiers: ClinVar variation 1076374 (VCV001076374.7), dbSNP rs377702881, ClinGen allele CA7279643.
Genomic context (GRCh38, chr14:75,775,559, plus strand): 5'-TTCCTCAAGCGAGCATCAAATAACCTCCAGCATTCACTGAGGATGGTATTACCCAGTCGA[C>T]GATTGGCACTTCTGGAACGCAGAAGAATCCTGGCCCACCAGCTGGGTGACTTTATCATTG-3'